The following is an entry in ClinVar:

ClinVar aggregate classification (germline): Uncertain significance. Review status: criteria provided, multiple submitters, no conflicts (2 of 4 stars). 3 submissions from 3 submitters: Uncertain significance (3). Last evaluated 2025-10-16.

Conditions:
Charcot-Marie-Tooth disease type 2. Also called: Charcot-Marie-Tooth type 2. Identifiers: Orphanet 64746, MedGen C0270914, MONDO:0018993.

Allele frequency attached by ClinVar (database versions not stated): gnomAD exomes below 0.00001.
gnomAD v4.1: 1 of 1,613,298 alleles (0.000062%); highest among the groups gnomAD compares: Non-Finnish European, 0.000085%; no homozygotes.

Submissions (3):

Dasa
Classification: Uncertain significance. Last evaluated: 2025-10-16. Review status: criteria provided, single submitter. Criteria: DASA Assertion Criteria. Collection method: clinical testing. Allele origin: germline.
Comment: NM_014874.4(MFN2):c.1834T>A (p.Ser612Thr) is a missense variant that results in the substitution of serine with threonine. This variant is rare in population databases. Computational prediction algorithms are consistent with a deleterious effect. The currently available literature and clinical evidence are not sufficient to establish a definitive association between this variant and the reported condition. Therefore, this variant is classified as a variant of uncertain significance.

CeGaT Center for Human Genetics Tuebingen
Classification: Uncertain significance. Last evaluated: 2023-01-01. Review status: criteria provided, single submitter. Criteria: CeGaT Center For Human Genetics Tuebingen Variant Classification Criteria Version 2. Collection method: clinical testing. Allele origin: germline. Affected: yes. Observed: 1 variant allele.
Comment: MFN2: PM2

Labcorp Genetics (formerly Invitae), Labcorp
Classification: Uncertain significance for Charcot-Marie-Tooth disease type 2. Last evaluated: 2020-12-22. Review status: criteria provided, single submitter. Criteria: Invitae Variant Classification Sherloc (09022015). Collection method: clinical testing. Allele origin: germline.
Comment: In summary, the available evidence is currently insufficient to determine the role of this variant in disease. Therefore, it has been classified as a Variant of Uncertain Significance. Advanced modeling of protein sequence and biophysical properties (such as structural, functional, and spatial information, amino acid conservation, physicochemical variation, residue mobility, and thermodynamic stability) performed at Invitae indicates that this missense variant is expected to disrupt MFN2 protein function. This variant has not been reported in the literature in individuals with MFN2-related conditions. This variant is not present in population databases (ExAC no frequency). This sequence change replaces serine with threonine at codon 612 of the MFN2 protein (p.Ser612Thr). The serine residue is highly conserved and there is a small physicochemical difference between serine and threonine.

NM_014874.4(MFN2):c.1834T>A (p.Ser612Thr)

Gene: MFN2 (mitofusin 2; plus strand). Cytogenetic location: 1p36.22.
Variant type: single nucleotide variant.
Coding change: c.1834T>A on transcript NM_014874.4 (MANE Select); coding-DNA position 1834, T replaced by A.
Protein change: p.Ser612Thr; replaces serine 612 with threonine.
Molecular consequence: missense variant.
Genome position (GRCh38, 1-based): chr1:12,006,655, T>A. VCF-style: chr1-12006655-T-A. GRCh37 (hg19) VCF-style: chr1-12066712-T-A.
Other names: c.1834T>A, p.Ser612Thr (NM_001127660.2); short protein forms S612T.
Identifiers: ClinVar variation 1486204 (VCV001486204.33), dbSNP rs2100856360, ClinGen allele CA338449236.